The following is an entry in ClinVar:

NM_021072.4(HCN1):c.2581C>G (p.Pro861Ala)

Gene: HCN1 (hyperpolarization activated cyclic nucleotide gated potassium channel 1; minus strand). Cytogenetic location: 5p12.
Variant type: single nucleotide variant.
Coding change: c.2581C>G on transcript NM_021072.4 (MANE Select); coding-DNA position 2581, C replaced by G.
Protein change: p.Pro861Ala; replaces proline 861 with alanine.
Molecular consequence: missense variant.
Genome position (GRCh38, 1-based): chr5:45,262,013, G>C on the plus strand (C>G on the coding strand, the complement: HCN1 is on the minus strand). VCF-style: chr5-45262013-G-C. GRCh37 (hg19) VCF-style: chr5-45262115-G-C.
Other names: c.2581C>G (NM_021072.3); short protein forms P861A.
Identifiers: ClinVar variation 2058375 (VCV002058375.5), dbSNP rs756753787, ClinGen allele CA359703063.

ClinVar aggregate classification (germline): Uncertain significance. Review status: criteria provided, multiple submitters, no conflicts (2 of 4 stars). 2 submissions from 2 submitters: Uncertain significance (2). Last evaluated 2025-03-13.

Conditions:
Inborn genetic diseases. Identifiers: MedGen C0950123, MeSH D030342.
Early-infantile DEE. Also called: Early infantile epileptic encephalopathy with suppression bursts; Early infantile epileptic encephalopathy; Ohtahara syndrome. Identifiers: Orphanet 1934, MedGen C0393706, MONDO:0800491.

gnomAD v4.1: 10 of 1,613,992 alleles (0.00062%); highest among the groups gnomAD compares: Non-Finnish European, 0.00085%; no homozygotes.

Submissions (2):

Labcorp Genetics (formerly Invitae), Labcorp
Classification: Uncertain significance for Early-infantile DEE. Last evaluated: 2025-03-13. Review status: criteria provided, single submitter. Criteria: Invitae Variant Classification Sherloc (09022015). Collection method: clinical testing. Allele origin: germline.
Comment: This sequence change replaces proline, which is neutral and non-polar, with alanine, which is neutral and non-polar, at codon 861 of the HCN1 protein (p.Pro861Ala). This variant is not present in population databases (gnomAD no frequency). This variant has not been reported in the literature in individuals affected with HCN1-related conditions. ClinVar contains an entry for this variant (Variation ID: 2058375). Invitae Evidence Modeling of protein sequence and biophysical properties (such as structural, functional, and spatial information, amino acid conservation, physicochemical variation, residue mobility, and thermodynamic stability) indicates that this missense variant is not expected to disrupt HCN1 protein function with a negative predictive value of 95%. In summary, the available evidence is currently insufficient to determine the role of this variant in disease. Therefore, it has been classified as a Variant of Uncertain Significance.

Ambry Genetics
Classification: Uncertain significance for Inborn genetic diseases. Last evaluated: 2023-11-06. Review status: criteria provided, single submitter. Criteria: Ambry Variant Classification Scheme 2023. Collection method: clinical testing. Allele origin: germline.